The following is an entry in ClinVar:

NM_006231.4(POLE):c.294G>T (p.Leu98Phe)

Gene: POLE (DNA polymerase epsilon, catalytic subunit; minus strand). Cytogenetic location: 12q24.33.
Variant type: single nucleotide variant.
Coding change: c.294G>T on transcript NM_006231.4 (MANE Select); coding-DNA position 294, G replaced by T.
Protein change: p.Leu98Phe; replaces leucine 98 with phenylalanine.
Molecular consequence: missense variant.
Genome position (GRCh38, 1-based): chr12:132,680,214, C>A on the plus strand (G>T on the coding strand, the complement: POLE is on the minus strand). VCF-style: chr12-132680214-C-A. GRCh37 (hg19) VCF-style: chr12-133256800-C-A.
Other names: short protein forms L98F.
Identifiers: ClinVar variation 1515271 (VCV001515271.8), dbSNP rs2136029780, ClinGen allele CA387368817.

ClinVar aggregate classification (germline): Uncertain significance (1 of 4 stars; one submission).

Submission:

Labcorp Genetics (formerly Invitae), Labcorp
Classification: Uncertain significance. Last evaluated: 2021-04-25. Review status: criteria provided, single submitter. Criteria: Invitae Variant Classification Sherloc (09022015). Collection method: clinical testing. Allele origin: germline.
Comment: This sequence change replaces leucine with phenylalanine at codon 98 of the POLE protein (p.Leu98Phe). The leucine residue is moderately conserved and there is a small physicochemical difference between leucine and phenylalanine. In summary, the available evidence is currently insufficient to determine the role of this variant in disease. Therefore, it has been classified as a Variant of Uncertain Significance. Algorithms developed to predict the effect of missense changes on protein structure and function (SIFT, PolyPhen-2, Align-GVGD) all suggest that this variant is likely to be tolerated, but these predictions have not been confirmed by published functional studies and their clinical significance is uncertain. This variant has not been reported in the literature in individuals with POLE-related conditions. This variant is not present in population databases (ExAC no frequency).